The following is an entry in ClinVar:

ClinVar aggregate classification (germline): Pathogenic (1 of 4 stars; one submission).

Conditions:
Osteogenesis imperfecta type I (OI1). Also called: Classic Non-deforming Osteogenesis Imperfecta with Blue Sclerae; OI, TYPE I; OSTEOGENESIS IMPERFECTA TARDA; OSTEOGENESIS IMPERFECTA WITH BLUE SCLERAE; Osteogenesis imperfecta type 1; Lobstein's Disease. Identifiers: Orphanet 216796, Orphanet 666, MedGen C0023931, MONDO:0008146, OMIM 166200. Disease mechanism: loss of function.

Submission:

Labcorp Genetics (formerly Invitae), Labcorp
Classification: Pathogenic for Osteogenesis imperfecta type I. Last evaluated: 2023-10-07. Review status: criteria provided, single submitter. Criteria: Invitae Variant Classification Sherloc (09022015). Collection method: clinical testing. Allele origin: germline.
Comment: This sequence change creates a premature translational stop signal (p.Ile769Hisfs*12) in the COL1A1 gene. It is expected to result in an absent or disrupted protein product. Loss-of-function variants in COL1A1 are known to be pathogenic (PMID: 7942841, 9295084, 9443882). This variant is not present in population databases (gnomAD no frequency). This variant has not been reported in the literature in individuals affected with COL1A1-related conditions. For these reasons, this variant has been classified as Pathogenic.

Literature cited by the submitters: PubMed 7942841; PubMed 9295084; PubMed 9443882.

NM_000088.4(COL1A1):c.2304dup (p.Ile769fs)

Gene: COL1A1 (collagen type I alpha 1 chain; minus strand). Cytogenetic location: 17q21.33.
Variant type: Duplication.
Coding change: c.2304dup on transcript NM_000088.4 (MANE Select); coding-DNA position 2304, one base duplicated (C; older notation c.2304dupC).
Protein change: p.Ile769fs; shifts the reading frame from isoleucine 769.
Molecular consequence: frameshift variant.
Genome position (GRCh38, 1-based): chr17:50,190,856, G duplicated on the plus strand (C on the coding strand, the reverse complement: COL1A1 is on the minus strand); the first of 4 consecutive G bases (chr17:50,190,856-50,190,859); duplicating any one gives the same sequence. VCF-style (leftmost placement, unchanged base first): chr17-50190855-T-TG. GRCh37 (hg19) VCF-style: chr17-48268216-T-TG.
Other names: short protein forms I769fs.
Identifiers: ClinVar variation 2766691 (VCV002766691.3), dbSNP rs2509193893, ClinGen allele CA2697560399.